The following is an entry in ClinVar:

NM_003000.3(SDHB):c.502C>T (p.Gln168Ter)

Gene: SDHB (succinate dehydrogenase complex iron sulfur subunit B; minus strand). Cytogenetic location: 1p36.13.
Variant type: single nucleotide variant.
Coding change: c.502C>T on transcript NM_003000.3 (MANE Select); coding-DNA position 502, C replaced by T.
Protein change: p.Gln168Ter; replaces glutamine 168 with a stop codon.
Molecular consequence: nonsense.
Genome position (GRCh38, 1-based): chr1:17,027,787, G>A on the plus strand (C>T on the coding strand, the complement: SDHB is on the minus strand). VCF-style: chr1-17027787-G-A. GRCh37 (hg19) VCF-style: chr1-17354282-G-A.
Other names: short protein forms Q168*.
Identifiers: ClinVar variation 468234 (VCV000468234.8), dbSNP rs1553177677, ClinGen allele CA338272662.

ClinVar aggregate classification (germline): Pathogenic. Review status: criteria provided, multiple submitters, no conflicts (2 of 4 stars). 2 submissions from 2 submitters: Pathogenic (2). Last evaluated 2023-08-10.

Conditions:
Pheochromocytoma. Also called: MAX-Related Hereditary Paraganglioma-Pheochromocytoma Syndrome. Identifiers: Orphanet 29072, MedGen C0031511, MONDO:0008233, OMIM 171300, HP:0002666.
Pheochromocytoma/paraganglioma syndrome 4. Also called: SDHB-Related Hereditary Paraganglioma-Pheochromocytoma Syndrome (Paragangliomas 4); CAROTID BODY TUMORS AND MULTIPLE EXTRAADRENAL PHEOCHROMOCYTOMAS; PARAGANGLIOMA, FAMILIAL MALIGNANT; PARAGANGLIOMAS, HEREDITARY EXTRAADRENAL; SDHB-Related Hereditary Paraganglioma-Pheochromocytoma Syndrome; PHEOCHROMOCYTOMA, FAMILIAL EXTRAADRENAL. Identifiers: Orphanet 29072, MedGen C1861848, MONDO:0007273, OMIM 115310.
Gastrointestinal stromal tumor. Also called: Gastrointestinal stroma tumor; Gastrointestinal stromal tumor, somatic. Identifiers: Orphanet 44890, MedGen C0238198, MeSH D046152, MONDO:0011719, OMIM 606764, HP:0100723.
Hereditary cancer-predisposing syndrome. Also called: Tumor predisposition; Hereditary neoplastic syndrome; Neoplastic Syndromes, Hereditary; Hereditary Cancer Syndrome. Identifiers: Orphanet 140162, MedGen C0027672, MeSH D009386, MONDO:0015356.

Submissions (2):

Labcorp Genetics (formerly Invitae), Labcorp
Classification: Pathogenic for Gastrointestinal stromal tumor; Pheochromocytoma/paraganglioma syndrome 4; Pheochromocytoma. Last evaluated: 2023-08-10. Review status: criteria provided, single submitter. Criteria: Invitae Variant Classification Sherloc (09022015). Collection method: clinical testing. Allele origin: germline.
Comment: For these reasons, this variant has been classified as Pathogenic. Algorithms developed to predict the effect of sequence changes on RNA splicing suggest that this variant may disrupt the consensus splice site. ClinVar contains an entry for this variant (Variation ID: 468234). This premature translational stop signal has been observed in individual(s) with abdominal paraganglioma (PMID: 20505258). This variant is not present in population databases (gnomAD no frequency). This sequence change creates a premature translational stop signal (p.Gln168*) in the SDHB gene. It is expected to result in an absent or disrupted protein product. Loss-of-function variants in SDHB are known to be pathogenic (PMID: 19454582, 19802898).

Ambry Genetics
Classification: Pathogenic for Hereditary cancer-predisposing syndrome. Last evaluated: 2015-10-30. Review status: criteria provided, single submitter. Criteria: Ambry Variant Classification Scheme 2023. Collection method: clinical testing. Allele origin: germline.
Comment: The p.Q168* pathogenic mutation (also known as c.502C>T), located in coding exon 5 of the SDHB gene, results from a C to T substitution at nucleotide position 502. This changes the amino acid from a glutamine to a stop codon within coding exon 5. In addition to the clinical data presented in the literature, since premature stop codons are typically deleterious in nature, this alteration is interpreted as a disease-causing mutation (ACMG Recommendations for Standards for Interpretation and Reporting of Sequence Variations. Revision 2007. Genet Med. 2008;10:294).

Literature cited by the submitters: PubMed 20505258 (cited by Labcorp Genetics (formerly Invitae), Labcorp); PubMed 19454582 (cited by Labcorp Genetics (formerly Invitae), Labcorp); PubMed 19802898 (cited by Labcorp Genetics (formerly Invitae), Labcorp).